The following is an entry in ClinVar:

ClinVar aggregate classification (germline): Benign. Review status: criteria provided, multiple submitters, no conflicts (2 of 4 stars). 3 submissions from 3 submitters: Benign (2). 1 of the submissions does not count toward it. Last evaluated 2026-01-25.

Conditions:
TRIP13-related disorder. Also called: TRIP13-related condition.

Allele frequency attached by ClinVar (database versions not stated): gnomAD exomes 0.00031 and 0.00082; ExAC 0.00088; ESP Exome Variant Server 0.00277; gnomAD 0.00293 and 0.00313; 1000 Genomes Project 0.00300; 1000 Genomes Project 30x 0.00328; TOPMed 0.00338.
gnomAD v4.1: 913 of 1,613,426 alleles (0.057%); highest among the groups gnomAD compares: African/African-American, 1.1%; 6 homozygotes.

Submissions (3):

Labcorp Genetics (formerly Invitae), Labcorp
Classification: Benign. Last evaluated: 2026-01-25. Review status: criteria provided, single submitter. Criteria: Invitae Variant Classification Sherloc (09022015). Collection method: clinical testing. Allele origin: germline.

Breakthrough Genomics
Classification: Benign. Review status: criteria provided, single submitter. Criteria: ACMG Guidelines, 2015. Collection method: not provided. Allele origin: germline. Inheritance: Autosomal recessive inheritance. Affected: yes.

PreventionGenetics, part of Exact Sciences
Classification: Benign for TRIP13-related condition. Last evaluated: 2019-02-21. Review status: no assertion criteria provided. Collection method: clinical testing. Allele origin: germline. Not counted in ClinVar's aggregate classification.
Comment: This variant is classified as benign based on ACMG/AMP sequence variant interpretation guidelines (Richards et al. 2015 PMID: 25741868, with internal and published modifications).

NM_004237.4(TRIP13):c.277T>C (p.Cys93Arg)

Gene: TRIP13 (thyroid hormone receptor interactor 13; plus strand). Cytogenetic location: 5p15.33.
Variant type: single nucleotide variant.
Coding change: c.277T>C on transcript NM_004237.4 (MANE Select); coding-DNA position 277, T replaced by C.
Protein change: p.Cys93Arg; replaces cysteine 93 with arginine.
Molecular consequence: missense variant.
Genome position (GRCh38, 1-based): chr5:896,683, T>C. VCF-style: chr5-896683-T-C. GRCh37 (hg19) VCF-style: chr5-896798-T-C.
Other names: c.277T>C, p.Cys93Arg (NM_001166260.2); short protein forms C93R.
Identifiers: ClinVar variation 726741 (VCV000726741.9), dbSNP rs144634558, ClinGen allele CA3179812.